The following is an entry in ClinVar:

ClinVar aggregate classification (germline): Likely benign (1 of 4 stars; one submission).

Submission:

GeneDx
Classification: Likely benign. Last evaluated: 2016-12-05. Review status: criteria provided, single submitter. Criteria: GeneDx Variant Classification (06012015). Collection method: clinical testing. Allele origin: germline. Affected: yes.
Comment: This variant is considered likely benign or benign based on one or more of the following criteria: it is a conservative change, it occurs at a poorly conserved position in the protein, it is predicted to be benign by multiple in silico algorithms, and/or has population frequency not consistent with disease.

NM_020822.3(KCNT1):c.2841+9C>A

Gene: KCNT1 (potassium sodium-activated channel subfamily T member 1; plus strand). Cytogenetic location: 9q34.3.
Variant type: single nucleotide variant.
Coding change: c.2841+9C>A on transcript NM_020822.3 (MANE Select); 9 bases into the intron after coding-DNA position 2841, C replaced by A.
Molecular consequence: intron variant.
Genome position (GRCh38, 1-based): chr9:135,779,479, C>A. VCF-style: chr9-135779479-C-A. GRCh37 (hg19) VCF-style: chr9-138671325-C-A.
Other names: c.2706+9C>A (NM_001272003.2).
Identifiers: ClinVar variation 391165 (VCV000391165.1), dbSNP rs1057523993, ClinGen allele CA16606421.